The following is an entry in ClinVar:

ClinVar aggregate classification (germline): Conflicting classifications of pathogenicity. Review status: criteria provided, conflicting classifications (1 of 4 stars). 5 submissions from 5 submitters: Uncertain significance (3); Uncertain risk allele (1); Likely benign (1). Last evaluated 2024-02-23.

Conditions:
Loeys-Dietz syndrome 2 (LDS2). Also called: TGFBR2-Related Loeys-Dietz Syndrome; Marfan Syndrome type 2; Marfan like connective tissue disorder; MFS 2; Marfan syndrome, type 2 (formerly); AORTIC ANEURYSM, FAMILIAL THORACIC 3. Identifiers: Orphanet 284973, Orphanet 558, MedGen C2674574, MONDO:0012427, OMIM 610168.
Malignant tumor of esophagus. Also called: Esophageal cancer; Esophageal cancer, somatic. Identifiers: Orphanet 99977, MedGen C0546837, MONDO:0007576, OMIM 133239.
Colorectal cancer, hereditary nonpolyposis, type 6. Also called: Colon cancer, hereditary nonpolyposis, type 6; Colon cancer, hereditary nonpolyposis, type 6, somatic. Identifiers: Orphanet 144, MedGen C1860896, MONDO:0013695, OMIM 614331.
Diabetic retinopathy. Identifiers: MedGen C0011884, MONDO:0005266.
Familial thoracic aortic aneurysm and aortic dissection (TAAD). Also called: Thoracic aortic aneurysms and dissections. Identifiers: Orphanet 91387, MedGen C4707243, MONDO:0019625.

Allele frequency attached by ClinVar (database versions not stated): gnomAD 0.00001 and 0.00003; gnomAD exomes 0.00001 and 0.00005; TOPMed 0.00004; ExAC 0.00007; ESP Exome Variant Server 0.00023.
gnomAD v4.1: 29 of 1,613,806 alleles (0.0018%); highest among the groups gnomAD compares: Non-Finnish European, 0.00034%; no homozygotes.

Submissions (5):

GeneDx
Classification: Uncertain significance. Last evaluated: 2024-02-23. Review status: criteria provided, single submitter. Criteria: GeneDx Variant Classification Process June 2021. Collection method: clinical testing. Allele origin: germline. Affected: yes.
Comment: At the protein level, in silico analysis supports that this missense variant does not alter protein structure/function; At the mRNA level, in silico analysis is inconclusive as to whether the variant alters gene splicing. In the absence of RNA/functional studies, the actual effect of this sequence change is unknown.; Reported using an alternate transcript of the gene; This variant is associated with the following publications: (PMID: 23099432)

Labcorp Genetics (formerly Invitae), Labcorp
Classification: Likely benign for Familial thoracic aortic aneurysm and aortic dissection. Last evaluated: 2022-11-09. Review status: criteria provided, single submitter. Criteria: Invitae Variant Classification Sherloc (09022015). Collection method: clinical testing. Allele origin: germline.

ARUP Laboratories, Molecular Genetics and Genomics, ARUP Laboratories
Classification: Uncertain significance. Last evaluated: 2021-10-07. Review status: criteria provided, single submitter. Criteria: ARUP Molecular Germline Variant Investigation Process 2021. Collection method: clinical testing. Allele origin: germline.
Comment: The TGFBR2 c.166C>A; However, functional tests conducted in fibroblasts from this individual and in a rat cell culture model demonstrated conflicting effects of this variant on downstream TGFBR2 signaling and functioning (Bee 2012). This variant is reported in the ClinVar database (Variation ID: 213913) and is found in the Ashkenazi Jewish population with an allele frequency of 0.1 % (11/10,068 alleles) in the Genome Aggregation Database. The histidine at codon 56 is weakly conserved and computational analyses are uncertain whether this variant is neutral or deleterious (REVEL: 0.188). Due to limited information, the clinical significance of the p.His56Asn variant is uncertain at this time. REFERENCES Bee KJ et al CJ. TGFBRIIb mutations trigger aortic aneurysm pathogenesis by altering transforming growth factor B2 signal transduction. Circ Cardiovasc Genet. 2012 Dec;5(6):621-9. PMID: 23099432.

Fulgent Genetics
Classification: Uncertain significance for Malignant tumor of esophagus; Loeys-Dietz syndrome 2; Colorectal cancer, hereditary nonpolyposis, type 6. Last evaluated: 2018-10-31. Review status: criteria provided, single submitter. Criteria: ACMG Guidelines, 2015. Collection method: clinical testing. Allele origin: unknown.

Clinical Genomics, Uppaluri K&H Personalized Medicine Clinic
Classification: Uncertain risk allele for Diabetic retinopathy. Review status: criteria provided, single submitter. Criteria: K And H Uppaluri Personalized Medicine Clinic Variant Classification And Assertion Criteria Updated V 2. Collection method: research. Allele origin: unknown.
Comment: Potent mutations in TGFBR2 gene encodes the transforming growth factor that have been associated with angiogenesis and diabetic retinopathy. More clinical studies are needed for stronger association. However, more evidence is required to confer the association of this particular variant rs138262219 with diabetic retinopathy.

Literature cited by the submitters: PubMed 30222965 (cited by Clinical Genomics, Uppaluri K&H Personalized Medicine Clinic); PubMed 28162229 (cited by Clinical Genomics, Uppaluri K&H Personalized Medicine Clinic); PubMed 34572573 (cited by Clinical Genomics, Uppaluri K&H Personalized Medicine Clinic).

NM_003242.6(TGFBR2):c.94+16293C>A

Gene: TGFBR2 (transforming growth factor beta receptor 2; plus strand). Cytogenetic location: 3p24.1.
Variant type: single nucleotide variant.
Coding change: c.94+16293C>A on transcript NM_003242.6 (MANE Select); 16293 bases into the intron after coding-DNA position 94, C replaced by A.
Molecular consequence: intron variant. On other transcripts: missense variant (5).
Genome position (GRCh38, 1-based): chr3:30,623,270, C>A. VCF-style: chr3-30623270-C-A. GRCh37 (hg19) VCF-style: chr3-30664762-C-A.
Other names: c.166C>A, p.His56Asn (NM_001024847.3, NM_001407126.1, NM_001407137.1 and 1 more transcripts); c.118C>A, p.His40Asn (NM_001407128.1); c.-118C>A (NM_001407133.1); c.-128C>A (NM_001407136.1); short protein forms H56N, H40N.
Identifiers: ClinVar variation 213913 (VCV000213913.26), dbSNP rs138262219, ClinGen allele CA050443.